The following is an entry in ClinVar:

NM_000207.3(INS):c.*28G>A

Genes: INS (insulin; minus strand), INS-IGF2 (INS-IGF2 readthrough; minus strand). Cytogenetic location: 11p15.5.
Variant type: single nucleotide variant.
Coding change: c.*28G>A on transcript NM_000207.3 (MANE Select); 28 bases downstream of the stop codon, G replaced by A.
Molecular consequence: 3 prime UTR variant. On other transcripts: intron variant (1).
Genome position (GRCh38, 1-based): chr11:2,159,824, C>T on the plus strand (G>A on the coding strand, the complement: INS is on the minus strand). VCF-style: chr11-2159824-C-T. GRCh37 (hg19) VCF-style: chr11-2181054-C-T.
Other names: c.*28G>A (NM_001185097.2, NM_001185098.2, NM_001291897.2); c.187+961G>A (NM_001042376.3).
Identifiers: ClinVar variation 304050 (VCV000304050.6), dbSNP rs778107057, ClinGen allele CA5818112.
Genomic context (GRCh38, chr11:2,159,824, plus strand): 5'-AGACGGCACAGCAGGGCTGGTTCAAGGGCTTTATTCCATCTCTCTCGGTGCAGGAGGCGG[C>T]GGGTGTGGGGCTGCCTGCGGGCTGCGTCTAGTTGCAGTAGTTCTCCAGCTGGTAGAGGGA-3'

ClinVar aggregate classification (germline): Conflicting classifications of pathogenicity. Review status: criteria provided, conflicting classifications (1 of 4 stars). 3 submissions from 2 submitters: Uncertain significance (1); Benign (1); Likely benign (1). Last evaluated 2018-01-13.

Conditions:
Transient Neonatal Diabetes, Dominant/Recessive.
Neonatal insulin-dependent diabetes mellitus. Identifiers: MedGen C3278636, HP:0000857.
Maturity-onset diabetes of the young type 10. Identifiers: Orphanet 552, MedGen C3150617, MONDO:0013240, OMIM 613370.

Allele frequency attached by ClinVar (database versions not stated): gnomAD 0.00006; TOPMed 0.00006; gnomAD exomes 0.00008 and 0.00013; ExAC 0.00022.

Submissions (3):

Illumina Laboratory Services, Illumina
Classification: Likely benign for Transient Neonatal Diabetes, Dominant/Recessive. Last evaluated: 2018-01-13. Review status: criteria provided, single submitter. Criteria: ICSL Variant Classification Criteria 13 December 2019. Collection method: clinical testing. Allele origin: germline.
Comment: This variant was observed in the ICSL laboratory as part of a predisposition screen in an ostensibly healthy population. It had not been previously curated by ICSL or reported in the Human Gene Mutation Database (HGMD: prior to June 1st, 2018), and was therefore a candidate for classification through an automated scoring system. Utilizing variant allele frequency, disease prevalence and penetrance estimates, and inheritance mode, an automated score was calculated to assess if this variant is too frequent to cause the disease. Based on the score and internal cut-off values, a variant classified as likely benign is not then subjected to further curation. The score for this variant resulted in a classification of likely benign for this disease.

Illumina Laboratory Services, Illumina
Classification: Uncertain significance for Maturity-onset diabetes of the young type 10. Last evaluated: 2018-01-13. Review status: criteria provided, single submitter. Criteria: ICSL Variant Classification Criteria 13 December 2019. Collection method: clinical testing. Allele origin: germline.

Clinical Genomics, Uppaluri K&H Personalized Medicine Clinic
Classification: Benign for Neonatal insulin-dependent diabetes mellitus. Review status: criteria provided, single submitter. Criteria: K & H Uppaluri Personalized Medicine Clinic Variant Classification & Assertion Criteria_Updated V.1. Collection method: research. Allele origin: unknown.
Comment: Mutations in INS gene can cause early onset diabetes mellitus which is insulin dependent. May have poor response to sulfonylureas, as this mutation can cause beta cell destruction. However no sufficient evidence is found to ascertain the role of this particular variant rs778107057, yet.

Literature cited by the submitters: PubMed 11921414 (cited by Clinical Genomics, Uppaluri K&H Personalized Medicine Clinic); PubMed 25542748 (cited by Clinical Genomics, Uppaluri K&H Personalized Medicine Clinic); PubMed 26101329 (cited by Clinical Genomics, Uppaluri K&H Personalized Medicine Clinic); PubMed 18171712 (cited by Clinical Genomics, Uppaluri K&H Personalized Medicine Clinic).